The following is an entry in ClinVar:

NM_000268.4(NF2):c.684G>C (p.Lys228Asn)

Gene: NF2 (NF2, moesin-ezrin-radixin like (MERLIN) tumor suppressor; plus strand). Cytogenetic location: 22q12.2.
Variant type: single nucleotide variant.
Coding change: c.684G>C on transcript NM_000268.4 (MANE Select); coding-DNA position 684, G replaced by C.
Protein change: p.Lys228Asn; replaces lysine 228 with asparagine.
Molecular consequence: missense variant. On other transcripts: non-coding transcript variant (1), intron variant (4).
Genome position (GRCh38, 1-based): chr22:29,661,213, G>C. VCF-style: chr22-29661213-G-C. GRCh37 (hg19) VCF-style: chr22-30057202-G-C.
Other names: c.570G>C, p.Lys190Asn (NM_001407053.1, NM_001407056.1); c.561G>C, p.Lys187Asn (NM_001407054.1, NM_001407058.1, NM_181829.3); c.558G>C, p.Lys186Asn (NM_001407055.1, NM_181828.3); c.684G>C, p.Lys228Asn (NM_001407060.1, NM_001407066.1, NM_016418.5 and 2 more transcripts); c.435G>C, p.Lys145Asn (NM_001407063.1, NM_001407064.1, NM_181830.3 and 1 more transcripts); c.150G>C, p.Lys50Asn (NM_001407065.1); c.453G>C, p.Lys151Asn (NM_001407067.1); c.675+2949G>C (NM_001407059.1, NM_001407057.1); and 2 more; short protein forms K187N, K190N, K228N, K145N, K50N, K151N, K186N.
Identifiers: ClinVar variation 4661577 (VCV004661577.1).

ClinVar aggregate classification (germline): Uncertain significance (1 of 4 stars; one submission).

Conditions:
Hereditary cancer-predisposing syndrome. Also called: Neoplastic Syndromes, Hereditary; Tumor predisposition; Hereditary Cancer Syndrome; Hereditary neoplastic syndrome. Identifiers: Orphanet 140162, MedGen C0027672, MeSH D009386, MONDO:0015356.

Submission:

Ambry Genetics
Classification: Uncertain significance for Hereditary cancer-predisposing syndrome. Last evaluated: 2025-11-17. Review status: criteria provided, single submitter. Criteria: Ambry Variant Classification Scheme 2023. Collection method: clinical testing. Allele origin: germline.
Comment: The p.K228N variant (also known as c.684G>C), located in coding exon 8 of the NF2 gene, results from a G to C substitution at nucleotide position 684. The lysine at codon 228 is replaced by asparagine, an amino acid with similar properties. This amino acid position is conserved. In addition, this alteration is predicted to be tolerated by in silico analysis. Based on the available evidence, the clinical significance of this variant remains unclear.